The following is an entry in ClinVar:

ClinVar aggregate classification (germline): Pathogenic (1 of 4 stars; one submission).

Conditions:
Cardiovascular phenotype. Identifiers: MedGen CN230736.

Submission:

Ambry Genetics
Classification: Pathogenic for Cardiovascular phenotype. Last evaluated: 2024-12-20. Review status: criteria provided, single submitter. Criteria: Ambry Variant Classification Scheme 2023. Collection method: clinical testing. Allele origin: germline.
Comment: The c.1488_1498del11ins10 pathogenic mutation, located in coding exon 12 of the ENG gene, results from the deletion of 11 nucleotides and insertion of 10 nucleotides causing a translational frameshift with a predicted alternate stop codon (p.D496Efs*22). This variant is considered to be rare based on population cohorts in the Genome Aggregation Database (gnomAD). This alteration is expected to result in loss of function by premature protein truncation or nonsense-mediated mRNA decay. As such, this alteration is interpreted as a disease-causing mutation.

NM_001114753.3(ENG):c.1488_1498delinsATTGGGCCTT (p.Asp496fs)

Genes: ENG (endoglin; minus strand), LOC102723566 (uncharacterized LOC102723566; plus strand). Cytogenetic location: 9q34.11.
Variant type: Indel.
Coding change: c.1488_1498delinsATTGGGCCTT on transcript NM_001114753.3 (MANE Select); coding-DNA positions 1488 to 1498, CTTGGGGCCTG replaced by ATTGGGCCTT.
Protein change: p.Asp496fs; shifts the reading frame from aspartic acid 496.
Molecular consequence: frameshift variant.
Genome position (GRCh38, 1-based): chr9:127,818,308-127,818,318, CAGGCCCCAAG replaced by AAGGCCCAAT on the plus strand (CTTGGGGCCTG replaced by ATTGGGCCTT on the coding strand, the reverse complement: ENG is on the minus strand). VCF-style: chr9-127818308-CAGGCCCCAAG-AAGGCCCAAT. GRCh37 (hg19) VCF-style: chr9-130580587-CAGGCCCCAAG-AAGGCCCAAT.
Other names: c.1488_1498delCTTGGGGCCTGinsATTGGGCCTT, p.Asp496Glufs (NM_000118.4); c.942_952delinsATTGGGCCTT, p.Asp314fs (NM_001278138.2); short protein forms D496fs, D314fs.
Identifiers: ClinVar variation 1773699 (VCV001773699.3), dbSNP rs2539059724, ClinGen allele CA2580079659.